The following is an entry in ClinVar:

ClinVar aggregate classification (germline): Uncertain significance (1 of 4 stars; one submission).

gnomAD v4.1: 2 of 1,603,156 alleles (0.00012%); highest among the groups gnomAD compares: Admixed American, 0.0017%; no homozygotes.

Submission:

Labcorp Genetics (formerly Invitae), Labcorp
Classification: Uncertain significance. Last evaluated: 2024-05-19. Review status: criteria provided, single submitter. Criteria: Invitae Variant Classification Sherloc (09022015). Collection method: clinical testing. Allele origin: germline.
Comment: This sequence change replaces leucine, which is neutral and non-polar, with valine, which is neutral and non-polar, at codon 52 of the SPPL2A protein (p.Leu52Val). This variant is not present in population databases (gnomAD no frequency). This variant has not been reported in the literature in individuals affected with SPPL2A-related conditions. An algorithm developed to predict the effect of missense changes on protein structure and function (PolyPhen-2) suggests that this variant is likely to be disruptive. In summary, the available evidence is currently insufficient to determine the role of this variant in disease. Therefore, it has been classified as a Variant of Uncertain Significance.

NM_032802.4(SPPL2A):c.154C>G (p.Leu52Val)

Gene: SPPL2A (signal peptide peptidase like 2A; minus strand). Cytogenetic location: 15q21.2.
Variant type: single nucleotide variant.
Coding change: c.154C>G on transcript NM_032802.4 (MANE Select); coding-DNA position 154, C replaced by G.
Protein change: p.Leu52Val; replaces leucine 52 with valine.
Molecular consequence: missense variant.
Genome position (GRCh38, 1-based): chr15:50,749,659, G>C on the plus strand (C>G on the coding strand, the complement: SPPL2A is on the minus strand). VCF-style: chr15-50749659-G-C. GRCh37 (hg19) VCF-style: chr15-51041856-G-C.
Other names: short protein forms L52V.
Identifiers: ClinVar variation 3698857 (VCV003698857.2).